The following is an entry in ClinVar:

ClinVar aggregate classification (germline): Uncertain significance (1 of 4 stars; one submission).

Conditions:
Wilms tumor 1 (WT1). Also called: Wilms tumor, somatic. Identifiers: Orphanet 654, MedGen CN033288, MONDO:0008679, OMIM 194070.

Submission:

Labcorp Genetics (formerly Invitae), Labcorp
Classification: Uncertain significance for Wilms tumor 1. Last evaluated: 2022-02-25. Review status: criteria provided, single submitter. Criteria: Invitae Variant Classification Sherloc (09022015). Collection method: clinical testing. Allele origin: germline.
Comment: In summary, the available evidence is currently insufficient to determine the role of this variant in disease. Therefore, it has been classified as a Variant of Uncertain Significance. Algorithms developed to predict the effect of sequence changes on RNA splicing suggest that this variant may create or strengthen a splice site. Algorithms developed to predict the effect of missense changes on protein structure and function are either unavailable or do not agree on the potential impact of this missense change (SIFT: "Tolerated"; PolyPhen-2: "Possibly Damaging"; Align-GVGD: "Class C0"). ClinVar contains an entry for this variant (Variation ID: 567664). This variant has not been reported in the literature in individuals affected with GPC3-related conditions. This variant is not present in population databases (gnomAD no frequency). This sequence change replaces leucine, which is neutral and non-polar, with valine, which is neutral and non-polar, at codon 341 of the GPC3 protein (p.Leu341Val).

NM_004484.4(GPC3):c.1021C>G (p.Leu341Val)

Gene: GPC3 (glypican 3; minus strand). Cytogenetic location: Xq26.2.
Variant type: single nucleotide variant.
Coding change: c.1021C>G on transcript NM_004484.4 (MANE Select); coding-DNA position 1021, C replaced by G.
Protein change: p.Leu341Val; replaces leucine 341 with valine.
Molecular consequence: missense variant.
Genome position (GRCh38, 1-based): chrX:133,753,493, G>C on the plus strand (C>G on the coding strand, the complement: GPC3 is on the minus strand). VCF-style: chrX-133753493-G-C. GRCh37 (hg19) VCF-style: chrX-132887520-G-C.
Other names: c.1021C>G, p.Leu341Val (NM_001164617.2); c.973C>G, p.Leu325Val (NM_001164618.2); c.859C>G, p.Leu287Val (NM_001164619.2); short protein forms L341V, L287V, L325V.
Identifiers: ClinVar variation 567664 (VCV000567664.9), dbSNP rs1569426033, ClinGen allele CA414705024.